The following is an entry in ClinVar:

ClinVar aggregate classification (germline): Conflicting classifications of pathogenicity. Review status: criteria provided, conflicting classifications (1 of 4 stars). 2 submissions from 2 submitters: Uncertain significance (1); Likely benign (1). Last evaluated 2024-10-17.

Allele frequency attached by ClinVar (database versions not stated): gnomAD exomes 0.00008 and 0.00020; ExAC 0.00026; TOPMed 0.00049; gnomAD 0.00052 and 0.00054; ESP Exome Variant Server 0.00054; 1000 Genomes Project 0.00120; 1000 Genomes Project 30x 0.00141.
gnomAD v4.1: 219 of 1,612,988 alleles (0.014%); highest among the groups gnomAD compares: African/African-American, 0.14%; no homozygotes.

Submissions (2):

Blueprint Genetics
Classification: Likely benign. Last evaluated: 2024-10-17. Review status: criteria provided, single submitter. Criteria: ACMG Guidelines, 2015. Collection method: clinical testing. Allele origin: germline.

Labcorp Genetics (formerly Invitae), Labcorp
Classification: Uncertain significance. Last evaluated: 2022-09-10. Review status: criteria provided, single submitter. Criteria: Invitae Variant Classification Sherloc (09022015). Collection method: clinical testing. Allele origin: germline.
Comment: This sequence change replaces asparagine, which is neutral and polar, with serine, which is neutral and polar, at codon 557 of the C9 protein (p.Asn557Ser). This variant is present in population databases (rs138480043, gnomAD 0.1%). This variant has not been reported in the literature in individuals affected with C9-related conditions. ClinVar contains an entry for this variant (Variation ID: 1372329). Algorithms developed to predict the effect of missense changes on protein structure and function are either unavailable or do not agree on the potential impact of this missense change (SIFT: "Not Available"; PolyPhen-2: "Benign"; Align-GVGD: "Not Available"). In summary, the available evidence is currently insufficient to determine the role of this variant in disease. Therefore, it has been classified as a Variant of Uncertain Significance.

NM_001737.5(C9):c.1670A>G (p.Asn557Ser)

Gene: C9 (complement C9; minus strand). Cytogenetic location: 5p13.1.
Variant type: single nucleotide variant.
Coding change: c.1670A>G on transcript NM_001737.5 (MANE Select); coding-DNA position 1670, A replaced by G.
Protein change: p.Asn557Ser; replaces asparagine 557 with serine.
Molecular consequence: missense variant.
Genome position (GRCh38, 1-based): chr5:39,285,209, T>C on the plus strand (A>G on the coding strand, the complement: C9 is on the minus strand). VCF-style: chr5-39285209-T-C. GRCh37 (hg19) VCF-style: chr5-39285311-T-C.
Other names: short protein forms N557S.
Identifiers: ClinVar variation 1372329 (VCV001372329.4), dbSNP rs138480043, ClinGen allele CA3246627.